The following is an entry in ClinVar:

NM_000516.7(GNAS):c.878A>G (p.Lys293Arg)

Gene: GNAS (GNAS complex locus; plus strand). Cytogenetic location: 20q13.32.
Variant type: single nucleotide variant.
Coding change: c.878A>G on transcript NM_000516.7 (MANE Select); coding-DNA position 878, A replaced by G.
Protein change: p.Lys293Arg; replaces lysine 293 with arginine.
Molecular consequence: missense variant. On other transcripts: 3 prime UTR variant (2).
Genome position (GRCh38, 1-based): chr20:58,909,989, A>G. VCF-style: chr20-58909989-A-G. GRCh37 (hg19) VCF-style: chr20-57485044-A-G.
Other names: c.878A>G (NM_000516.5); c.701A>G, p.Lys234Arg (NM_001309840.2, NM_001309861.2); c.782A>G, p.Lys261Arg (NM_001410912.1); c.2762A>G, p.Lys921Arg (NM_001410913.1); c.*784A>G (NM_016592.5); c.2807A>G, p.Lys936Arg (NM_080425.4); c.836A>G, p.Lys279Arg (NM_080426.4); c.881A>G, p.Lys294Arg (NM_001077488.5); and 2 more; short protein forms K234R, K261R, K278R, K279R, K293R, K294R, K921R, K936R.
Identifiers: ClinVar variation 2576580 (VCV002576580.3), dbSNP rs2517269338, ClinGen allele CA409453040.

ClinVar aggregate classification (germline): Likely pathogenic. Review status: criteria provided, single submitter (1 of 4 stars). 2 submissions from 2 submitters: Likely pathogenic (1). 1 of the submissions does not count toward it. Last evaluated 2023-07-28.

Conditions:
Pseudohypoparathyroidism type I A (PHP1A). Also called: ALBRIGHT HEREDITARY OSTEODYSTROPHY WITH MULTIPLE HORMONE RESISTANCE; PHP IA; Pseudohypoparathyroidism Ia (PHP-Ia); Pseudohypoparathyroidism type 1A; Pseudohypoparathyroidism Type IA. Identifiers: Orphanet 79443, MedGen C3494506, MONDO:0007078, OMIM 103580.
GNAS-related disorder. Identifiers: MedGen CN380105.

Submissions (2):

Institute of Human Genetics, University of Leipzig Medical Center
Classification: Likely pathogenic for Pseudohypoparathyroidism type I A. Last evaluated: 2023-07-28. Review status: criteria provided, single submitter. Criteria: ACMG Guidelines, 2015. Collection method: clinical testing. Allele origin: unknown. Inheritance: Autosomal dominant inheritance. Affected: yes.
Comment: Criteria applied: PP4_MOD,PS4_SUP,PM1_SUP,PM2_SUP,PP2,PP3

PreventionGenetics, part of Exact Sciences
Classification: Uncertain significance for GNAS-related condition. Last evaluated: 2024-05-15. Review status: no assertion criteria provided. Collection method: clinical testing. Allele origin: germline. Not counted in ClinVar's aggregate classification.
Comment: The GNAS c.878A>G variant is predicted to result in the amino acid substitution p.Lys293Arg. This variant (also reported as p.K294R in NM_001077488.1) was reported in an individual with pseudohypoparathyroidism 1a (Thiele et al 2015. PubMed ID: 25802881). This variant has not been reported in a large population database, indicating this variant is rare. At this time, the clinical significance of this variant is uncertain due to the absence of conclusive functional and genetic evidence.